The following is an entry in ClinVar:

ClinVar aggregate classification (germline): Likely benign (1 of 4 stars; one submission).

Conditions:
Progressive myoclonic epilepsy. Also called: Myoclonic Epilepsies, Progressive; Familial progressive myoclonic epilepsy; Myoclonus epilepsy; Progressive myoclonus epilepsy. Identifiers: Orphanet 308, Orphanet 98261, MedGen C0751778, MONDO:0020074.

Allele frequency attached by ClinVar (database versions not stated): gnomAD 0.00017 and 0.00018; TOPMed 0.00026; 1000 Genomes Project 30x 0.00031; 1000 Genomes Project 0.00040.

Submission:

Illumina Laboratory Services, Illumina
Classification: Likely benign for Progressive myoclonic epilepsy. Last evaluated: 2018-01-12. Review status: criteria provided, single submitter. Criteria: ICSL Variant Classification Criteria 13 December 2019. Collection method: clinical testing. Allele origin: germline.
Comment: This variant was observed in the ICSL laboratory as part of a predisposition screen in an ostensibly healthy population. It had not been previously curated by ICSL or reported in the Human Gene Mutation Database (HGMD: prior to June 1st, 2018), and was therefore a candidate for classification through an automated scoring system. Utilizing variant allele frequency, disease prevalence and penetrance estimates, and inheritance mode, an automated score was calculated to assess if this variant is too frequent to cause the disease. Based on the score and internal cut-off values, a variant classified as likely benign is not then subjected to further curation. The score for this variant resulted in a classification of likely benign for this disease.

NM_198859.4(PRICKLE2):c.*4354C>G

Genes: PRICKLE2 (prickle planar cell polarity protein 2; minus strand), PRICKLE2-AS1 (PRICKLE2 antisense RNA 1; plus strand). Cytogenetic location: 3p14.1.
Variant type: single nucleotide variant.
Coding change: c.*4354C>G on transcript NM_198859.4 (MANE Select); 4354 bases downstream of the stop codon, C replaced by G.
Molecular consequence: 3 prime UTR variant.
Genome position (GRCh38, 1-based): chr3:64,094,697, G>C on the plus strand (C>G on the coding strand, the complement: PRICKLE2 is on the minus strand). VCF-style: chr3-64094697-G-C. GRCh37 (hg19) VCF-style: chr3-64080373-G-C.
Other names: c.*4354C>G (NM_001370528.1).
Identifiers: ClinVar variation 901207 (VCV000901207.4), dbSNP rs186186236, ClinGen allele CA75713613.
Genomic context (GRCh38, chr3:64,094,697, plus strand): 5'-GAAAATGGAAAAAGAATCCAATTTTTTCTTGATCTTTACTTTGAGGACTACTTCCAAATG[G>C]TCATAAGAATAAGCTCTGGTATCTGCTGAGGCACCAGAGGGACAAACCACTGGAGACAAG-3'